The following is an entry in ClinVar:

ClinVar aggregate classification (germline): Uncertain significance (1 of 4 stars; one submission).

Conditions:
Candidiasis, familial, 9 (CANDF9). Identifiers: Orphanet 1334, MedGen C4225324, MONDO:0014642, OMIM 616445.

Allele frequency attached by ClinVar (database versions not stated): gnomAD exomes below 0.00001 and 0.00001; ExAC 0.00002.
gnomAD v4.1: 5 of 1,614,180 alleles (0.00031%); highest among the groups gnomAD compares: Non-Finnish European, 0.00042%; no homozygotes.

Submission:

Labcorp Genetics (formerly Invitae), Labcorp
Classification: Uncertain significance for Candidiasis, familial, 9. Last evaluated: 2024-04-22. Review status: criteria provided, single submitter. Criteria: Invitae Variant Classification Sherloc (09022015). Collection method: clinical testing. Allele origin: germline.
Comment: This sequence change replaces alanine, which is neutral and non-polar, with glycine, which is neutral and non-polar, at codon 206 of the IL17RC protein (p.Ala206Gly). This variant is present in population databases (rs780151470, gnomAD 0.002%). This variant has not been reported in the literature in individuals affected with IL17RC-related conditions. ClinVar contains an entry for this variant (Variation ID: 665541). An algorithm developed to predict the effect of missense changes on protein structure and function (PolyPhen-2) suggests that this variant is likely to be tolerated. In summary, the available evidence is currently insufficient to determine the role of this variant in disease. Therefore, it has been classified as a Variant of Uncertain Significance.

NM_153460.4(IL17RC):c.404C>G (p.Ala135Gly)

Gene: IL17RC (interleukin 17 receptor C; plus strand). Cytogenetic location: 3p25.3.
Variant type: single nucleotide variant.
Coding change: c.404C>G on transcript NM_153460.4 (MANE Select); coding-DNA position 404, C replaced by G.
Protein change: p.Ala135Gly; replaces alanine 135 with glycine.
Molecular consequence: missense variant. On other transcripts: non-coding transcript variant (1).
Genome position (GRCh38, 1-based): chr3:9,918,548, C>G. VCF-style: chr3-9918548-C-G. GRCh37 (hg19) VCF-style: chr3-9960232-C-G.
Other names: c.404C>G, p.Ala135Gly (NM_001203263.2, NM_001203264.2, NM_001203265.2 and 3 more transcripts); c.329C>G, p.Ala110Gly (NM_001367279.1); c.617C>G, p.Ala206Gly (NM_153461.4); short protein forms A206G, A135G, A110G.
Identifiers: ClinVar variation 665541 (VCV000665541.5), dbSNP rs780151470, ClinGen allele CA2246831.